The following is an entry in ClinVar:

ClinVar aggregate classification (germline): Uncertain significance (3 of 4 stars; one submission).

Conditions:
Open-angle glaucoma. Identifiers: MedGen C0017612, MONDO:0005338, HP:0012108.

Allele frequency attached by ClinVar (database versions not stated): gnomAD exomes 0.00001 and 0.00003; TOPMed 0.00001; gnomAD 0.00002 and 0.00003; ExAC 0.00004.
gnomAD v4.1: 10 of 1,608,876 alleles (0.00062%); highest among the groups gnomAD compares: Middle Eastern, 0.017%; no homozygotes.

Submission:

ClinGen Glaucoma Variant Curation Expert Panel
Classification: Uncertain significance for Open-angle glaucoma. Last evaluated: 2025-12-03. Review status: reviewed by expert panel. Criteria: ClinGen Glaucoma ACMG Specifications V2.0.0 Approved. Collection method: curation. Allele origin: germline. Inheritance: Autosomal dominant inheritance.
Comment: The c.898G>A variant in MYOC is a missense variant predicted to cause substitution of Glutamic Acid by Lysine at amino acid 300 (p.Glu300Lys). The highest minor allele frequency of this variant was in the Middle Eastern genetic ancestry group of gnomAD (v4.1.0) = 0.0001651 (1 allele out of 6,058), which did not meet the PM2_Supporting allele frequency threshold (≤ 0.0001) or the BS1 allele frequency threshold (≥ 0.001). The REVEL score = 0.734, which was within the 0.644-0.772 range for PP3, predicting a damaging effect on MYOC function. The Glu300Lys protein had increased instability compared to wild type myocilin protein in this study (PMID: 36579626). The assay met the OddsPath threshold for PS3_Moderate (> 4.3), indicating that this variant did impact protein function. This protein has also been assessed for solubility and secretion in these other studies (PMIDs: 27092720, 36579626), however, the same level of evidence was not met. Although probands with primary open angle glaucoma have been reported carrying this variant, PM2_Supporting was not met, therefore PS4 did not apply. In summary, this variant met the criteria to receive a score of 3 and to be classified as a variant of uncertain significance (uncertain significance classification range -1 to 5, adapted from PMID: 32720330) for primary open angle glaucoma based on the ACMG/AMP criteria met, as specified by the ClinGen Glaucoma VCEP (v2.0.0, 5 Dec 2024): PS3_Moderate, PP3.

Literature cited by the submitters: PubMed 36579626; PubMed 27092720.

NM_000261.2(MYOC):c.898G>A (p.Glu300Lys)

Gene: MYOC (myocilin; minus strand). Cytogenetic location: 1q24.3.
Variant type: single nucleotide variant.
Coding change: c.898G>A on transcript NM_000261.2 (MANE Select); coding-DNA position 898, G replaced by A.
Protein change: p.Glu300Lys; replaces glutamic acid 300 with lysine.
Molecular consequence: missense variant.
Genome position (GRCh38, 1-based): chr1:171,636,542, C>T on the plus strand (G>A on the coding strand, the complement: MYOC is on the minus strand). VCF-style: chr1-171636542-C-T. GRCh37 (hg19) VCF-style: chr1-171605682-C-T.
Other names: NM_000261.2:c.898G>A; short protein forms E300K.
Identifiers: ClinVar variation 1342968 (VCV001342968.5), dbSNP rs748621461, ClinGen allele CA1244125.
Genomic context (GRCh38, chr1:171,636,542, plus strand): 5'-TAGGCAGTATGTGAACCTTAGAAGGGTAGCCCTGCATAAACTGGCTGATGAGGTCATACT[C>T]AAAAACCTGGCGGACATCCGTGCCAACTGTGTCGATTCTCCACGTGGTCTCCTGGGTGTA-3'
Protein context (NP_000252.1, residues 290-310): TVGTDVRQVF[Glu300Lys]YDLISQFMQG